The following is an entry in ClinVar:

ClinVar aggregate classification (germline): Uncertain significance. Review status: criteria provided, multiple submitters, no conflicts (2 of 4 stars). 2 submissions from 2 submitters: Uncertain significance (2). Last evaluated 2025-02-28.

Conditions:
Charcot-Marie-Tooth disease type 2. Also called: Charcot-Marie-Tooth type 2. Identifiers: Orphanet 64746, MedGen C0270914, MONDO:0018993.

Allele frequency attached by ClinVar (database versions not stated): gnomAD exomes 0.00001.
gnomAD v4.1: 3 of 1,614,126 alleles (0.00019%); highest among the groups gnomAD compares: Admixed American, 0.005%; no homozygotes.

Submissions (2):

Labcorp Genetics (formerly Invitae), Labcorp
Classification: Uncertain significance for Charcot-Marie-Tooth disease type 2. Last evaluated: 2025-02-28. Review status: criteria provided, single submitter. Criteria: Invitae Variant Classification Sherloc (09022015). Collection method: clinical testing. Allele origin: germline.
Comment: This sequence change falls in intron 8 of the AARS gene. It does not directly change the encoded amino acid sequence of the AARS protein. It affects a nucleotide within the consensus splice site. This variant is not present in population databases (gnomAD no frequency). This variant has not been reported in the literature in individuals affected with AARS-related conditions. ClinVar contains an entry for this variant (Variation ID: 2196596). Variants that disrupt the consensus splice site are a relatively common cause of aberrant splicing (PMID: 17576681, 9536098). Algorithms developed to predict the effect of sequence changes on RNA splicing suggest that this variant may disrupt the consensus splice site. In summary, the available evidence is currently insufficient to determine the role of this variant in disease. Therefore, it has been classified as a Variant of Uncertain Significance.

Blueprint Genetics
Classification: Uncertain significance. Last evaluated: 2024-08-20. Review status: criteria provided, single submitter. Criteria: ACMG Guidelines, 2015. Collection method: clinical testing. Allele origin: germline.

Literature cited by the submitters: PubMed 17576681 (cited by Labcorp Genetics (formerly Invitae), Labcorp); PubMed 9536098 (cited by Labcorp Genetics (formerly Invitae), Labcorp).

NM_001605.3(AARS1):c.1072-3C>G

Gene: AARS1 (alanyl-tRNA synthetase 1; minus strand). Cytogenetic location: 16q22.1.
Variant type: single nucleotide variant.
Coding change: c.1072-3C>G on transcript NM_001605.3 (MANE Select); 3 bases into the intron before coding-DNA position 1072, C replaced by G.
Molecular consequence: intron variant.
Genome position (GRCh38, 1-based): chr16:70,267,812, G>C on the plus strand (C>G on the coding strand, the complement: AARS1 is on the minus strand). VCF-style: chr16-70267812-G-C. GRCh37 (hg19) VCF-style: chr16-70301715-G-C.
Identifiers: ClinVar variation 2196596 (VCV002196596.5), dbSNP rs2507012830, ClinGen allele CA2580091906.